The following is an entry in ClinVar:

NM_000202.8(IDS):c.781C>G (p.Pro261Ala)

Genes: IDS (iduronate 2-sulfatase; minus strand), LOC106050102 (IDS recombination region; plus strand). Cytogenetic location: Xq28.
Variant type: single nucleotide variant.
Coding change: c.781C>G on transcript NM_000202.8 (MANE Select); coding-DNA position 781, C replaced by G.
Protein change: p.Pro261Ala; replaces proline 261 with alanine.
Molecular consequence: missense variant. On other transcripts: non-coding transcript variant (1).
Genome position (GRCh38, 1-based): chrX:149,496,444, G>C on the plus strand (C>G on the coding strand, the complement: IDS is on the minus strand). VCF-style: chrX-149496444-G-C. GRCh37 (hg19) VCF-style: chrX-148577975-G-C.
Other names: c.511C>G, p.Pro171Ala (NM_001166550.4); c.781C>G, p.Pro261Ala (NM_006123.5); short protein forms P261A, P171A.
Identifiers: ClinVar variation 589455 (VCV000589455.59), dbSNP rs141720810, ClinGen allele CA10537598.

ClinVar aggregate classification (germline): Conflicting classifications of pathogenicity. Review status: criteria provided, conflicting classifications (1 of 4 stars). 6 submissions from 6 submitters: Uncertain significance (1); Benign (1); Likely benign (1). 3 of the submissions do not count toward it. Last evaluated 2026-01-22.

Conditions:
Mucopolysaccharidosis, MPS-II (MPS2). Also called: Attenuated MPS (subtype; formerly known as mild MPS II); Severe MPS II; I2S deficiency; MPS 2; Hunter Syndrome; IDURONATE 2-SULFATASE DEFICIENCY. Identifiers: Orphanet 580, Orphanet 79388, MedGen C0026705, MONDO:0010674, OMIM 309900.
Inborn genetic diseases. Identifiers: MedGen C0950123, MeSH D030342.
Mucopolysaccharidosis, MPS-III-A (MPS3A). Also called: Mucopolysaccharidosis, type IIIA; MPS IIIA (Sanfilippo Syndrome Type A); MPS III A; SANFILIPPO SYNDROME A; SULFAMIDASE DEFICIENCY; Mucopolysaccharidosis type IIIA (Sanfilippo A). Identifiers: Orphanet 581, Orphanet 79269, MedGen C0086647, MONDO:0009655, OMIM 252900.

Allele frequency attached by ClinVar (database versions not stated): gnomAD 0.00055; ESP Exome Variant Server 0.00038; 1000 Genomes Project 30x 0.00021; 1000 Genomes Project 0.00053; TOPMed 0.00041.
gnomAD v4.1: 166 of 1,207,511 alleles (0.014%); highest among the groups gnomAD compares: African/African-American, 0.19%; no homozygotes.

Submissions (6):

Labcorp Genetics (formerly Invitae), Labcorp
Classification: Benign for Mucopolysaccharidosis, MPS-II. Last evaluated: 2026-01-22. Review status: criteria provided, single submitter. Criteria: Invitae Variant Classification Sherloc (09022015). Collection method: clinical testing. Allele origin: germline.

Laboratory of Diagnosis and Therapy of Lysosomal Disorders, University of Padova
Classification: Uncertain significance for Mucopolysaccharidosis, MPS-II. Last evaluated: 2024-06-07. Review status: criteria provided, single submitter. Criteria: ACMG Guidelines, 2015. Collection method: literature only. Allele origin: germline. Affected: yes. Observed: 2 variant alleles.
Comment: Absent from controls (or at low frequency) in gnomAD database (PM2_Moderate), Missense variant in a gene with a low rate of benign missense variation (PP2_Supporting), Patient’s phenotype or family history highly specific for the disease (PP4_Moderate)

Classification method: ACMG Guidelines [PMID:25741868] with modifications

Ambry Genetics
Classification: Likely benign for Inborn genetic diseases. Last evaluated: 2016-11-09. Review status: criteria provided, single submitter. Criteria: Ambry Variant Classification Scheme 2023. Collection method: clinical testing. Allele origin: germline.

Natera, Inc.
Classification: Likely benign for Mucopolysaccharidosis type IIIA. Last evaluated: 2021-02-05. Review status: no assertion criteria provided. Collection method: clinical testing. Allele origin: germline. Not counted in ClinVar's aggregate classification.

Clinical Genetics DNA and cytogenetics Diagnostics Lab, Erasmus MC, Erasmus Medical Center
Classification: Likely benign. Review status: no assertion criteria provided. Collection method: clinical testing. Allele origin: germline. Affected: yes. Study: VKGL Data-share Consensus. Not counted in ClinVar's aggregate classification.

Laboratory of Diagnostic Genome Analysis, Leiden University Medical Center (LUMC)
Classification: Likely benign. Review status: no assertion criteria provided. Collection method: clinical testing. Allele origin: germline. Affected: yes. Study: VKGL Data-share Consensus. Not counted in ClinVar's aggregate classification.

Literature cited by the submitters: PubMed 21291454 (cited by Laboratory of Diagnosis and Therapy of Lysosomal Disorders, University of Padova and Ambry Genetics); PubMed 30639582 (cited by Laboratory of Diagnosis and Therapy of Lysosomal Disorders, University of Padova).